The following is an entry in ClinVar:

ClinVar aggregate classification (germline): Uncertain significance (1 of 4 stars; one submission).

Conditions:
Glutathione synthetase deficiency without 5-oxoprolinuria. Also called: ANEMIA, CONGENITAL, NONSPHEROCYTIC HEMOLYTIC, 6. Identifiers: Orphanet 289849, Orphanet 32, MedGen C1856399, MONDO:0009284, OMIM 231900.
Glutathione synthetase deficiency with 5-oxoprolinuria. Also called: Gluthathione synthetase deficiency; PYROGLUTAMIC ACIDURIA; 5-Oxoprolinuria; Reduced glutathione synthetase level; 5-OXOPROLINURIA DUE TO GLUTATHIONE SYNTHETASE DEFICIENCY. Identifiers: Orphanet 289846, MedGen C0398746, MONDO:0009947, OMIM 266130, HP:0003343.

Submission:

Juno Genomics, Hangzhou Juno Genomics, Inc
Classification: Uncertain significance for Glutathione synthetase deficiency with 5-oxoprolinuria; Glutathione synthetase deficiency without 5-oxoprolinuria. Review status: criteria provided, single submitter. Criteria: ACMG Guidelines, 2015. Collection method: clinical testing. Allele origin: germline.
Comment: Absent from controls (or at extremely low frequency if recessive) in Genome Aggregation Database.;Multiple lines of computational evidence support a deleterious effect on the gene or gene product.

NM_000178.4(GSS):c.565G>A (p.Ala189Thr)

Gene: GSS (glutathione synthetase; minus strand). Cytogenetic location: 20q11.22.
Variant type: single nucleotide variant.
Coding change: c.565G>A on transcript NM_000178.4 (MANE Select); coding-DNA position 565, G replaced by A.
Protein change: p.Ala189Thr; replaces alanine 189 with threonine.
Molecular consequence: missense variant.
Genome position (GRCh38, 1-based): chr20:34,941,756, C>T on the plus strand (G>A on the coding strand, the complement: GSS is on the minus strand). VCF-style: chr20-34941756-C-T. GRCh37 (hg19) VCF-style: chr20-33529559-C-T.
Other names: c.565G>A, p.Ala189Thr (NM_001322494.1, NM_001322495.1); short protein forms A189T.
Identifiers: ClinVar variation 5006371 (VCV005006371.2).